The following is an entry in ClinVar:

ClinVar aggregate classification (germline): Uncertain significance (1 of 4 stars; one submission).

Submission:

Ambry Genetics
Classification: Uncertain significance. Last evaluated: 2024-04-26. Review status: criteria provided, single submitter. Criteria: Ambry Variant Classification Scheme 2023. Collection method: clinical testing. Allele origin: germline.
Comment: The p.I1459V variant (also known as c.4375A>G), located in coding exon 16 of the POLQ gene, results from an A to G substitution at nucleotide position 4375. The isoleucine at codon 1459 is replaced by valine, an amino acid with highly similar properties. This amino acid position is conserved. In addition, this alteration is predicted to be tolerated by in silico analysis. Based on the available evidence, the clinical significance of this variant remains unclear.

NM_199420.4(POLQ):c.4375A>G (p.Ile1459Val)

Gene: POLQ (DNA polymerase theta; minus strand). Cytogenetic location: 3q13.33.
Variant type: single nucleotide variant.
Coding change: c.4375A>G on transcript NM_199420.4 (MANE Select); coding-DNA position 4375, A replaced by G.
Protein change: p.Ile1459Val; replaces isoleucine 1459 with valine.
Molecular consequence: missense variant.
Genome position (GRCh38, 1-based): chr3:121,488,556, T>C on the plus strand (A>G on the coding strand, the complement: POLQ is on the minus strand). VCF-style: chr3-121488556-T-C. GRCh37 (hg19) VCF-style: chr3-121207403-T-C.
Other names: short protein forms I1459V.
Identifiers: ClinVar variation 3308653 (VCV003308653.1).